The following is an entry in ClinVar:

NM_000384.3(APOB):c.8181C>A (p.Asn2727Lys)

Gene: APOB (apolipoprotein B; minus strand). Cytogenetic location: 2p24.1.
Variant type: single nucleotide variant.
Coding change: c.8181C>A on transcript NM_000384.3 (MANE Select); coding-DNA position 8181, C replaced by A.
Protein change: p.Asn2727Lys; replaces asparagine 2727 with lysine.
Molecular consequence: missense variant.
Genome position (GRCh38, 1-based): chr2:21,008,687, G>T on the plus strand (C>A on the coding strand, the complement: APOB is on the minus strand). VCF-style: chr2-21008687-G-T. GRCh37 (hg19) VCF-style: chr2-21231559-G-T.
Other names: short protein forms N2727K.
Identifiers: ClinVar variation 801050 (VCV000801050.9), dbSNP rs958169216, ClinGen allele CA43501053.

ClinVar aggregate classification (germline): Uncertain significance. Review status: criteria provided, multiple submitters, no conflicts (2 of 4 stars). 3 submissions from 3 submitters: Uncertain significance (3). Last evaluated 2025-02-15.

Conditions:
Cardiovascular phenotype. Identifiers: MedGen CN230736.
Familial hypobetalipoproteinemia 1. Also called: Hypobetalipoproteinemia, normotriglyceridemic; Acanthocytosis with hypobetalipoproteinemia; APOB-Related Familial Hypobetalipoproteinemia. Identifiers: MedGen C4551990, MONDO:0014252, OMIM 615558.
Hypercholesterolemia, autosomal dominant, type B (FHCL2). Also called: HYPERCHOLESTEROLEMIA, FAMILIAL, DUE TO LIGAND-DEFECTIVE APOLIPOPROTEIN B; Familial hypercholesterolemia 2; APOB-Related Familial Hypercholesterolemia, Autosomal Dominant; Familial Hypercholesterolemia Type B; APOLIPOPROTEIN B-100, FAMILIAL DEFECTIVE; APOLIPOPROTEIN B-100, FAMILIAL LIGAND-DEFECTIVE. Identifiers: MedGen C1704417, MONDO:0007751, OMIM 144010.

gnomAD v4.1: 4 of 1,614,106 alleles (0.00025%); highest among the groups gnomAD compares: Non-Finnish European, 0.00034%; no homozygotes.

Submissions (3):

Labcorp Genetics (formerly Invitae), Labcorp
Classification: Uncertain significance for Familial hypobetalipoproteinemia 1; Hypercholesterolemia, autosomal dominant, type B. Last evaluated: 2025-02-15. Review status: criteria provided, single submitter. Criteria: Invitae Variant Classification Sherloc (09022015). Collection method: clinical testing. Allele origin: germline.
Comment: This sequence change replaces asparagine, which is neutral and polar, with lysine, which is basic and polar, at codon 2727 of the APOB protein (p.Asn2727Lys). This variant is not present in population databases (gnomAD no frequency). This variant has not been reported in the literature in individuals affected with APOB-related conditions. ClinVar contains an entry for this variant (Variation ID: 801050). Invitae Evidence Modeling of protein sequence and biophysical properties (such as structural, functional, and spatial information, amino acid conservation, physicochemical variation, residue mobility, and thermodynamic stability) indicates that this missense variant is not expected to disrupt APOB protein function with a negative predictive value of 95%. In summary, the available evidence is currently insufficient to determine the role of this variant in disease. Therefore, it has been classified as a Variant of Uncertain Significance.

Ambry Genetics
Classification: Uncertain significance for Cardiovascular phenotype. Last evaluated: 2022-10-03. Review status: criteria provided, single submitter. Criteria: Ambry Variant Classification Scheme 2023. Collection method: clinical testing. Allele origin: germline.
Comment: The p.N2727K variant (also known as c.8181C>A), located in coding exon 26 of the APOB gene, results from a C to A substitution at nucleotide position 8181. The asparagine at codon 2727 is replaced by lysine, an amino acid with similar properties. This amino acid position is conserved. In addition, this alteration is predicted to be tolerated by in silico analysis. Since supporting evidence is limited at this time, the clinical significance of this alteration remains unclear.

Quest Diagnostics Nichols Institute San Juan Capistrano
Classification: Uncertain significance. Last evaluated: 2019-06-14. Review status: criteria provided, single submitter. Criteria: Quest Diagnostics criteria. Collection method: clinical testing. Allele origin: germline.